The following is an entry in ClinVar:

ClinVar aggregate classification (germline): Benign/Likely benign. Review status: criteria provided, multiple submitters, no conflicts (2 of 4 stars). 5 submissions from 5 submitters: Benign (3); Likely benign (1). 1 of the submissions does not count toward it. Last evaluated 2026-08-01.

Conditions:
PRKD1-related disorder. Also called: PRKD1-related condition.

Allele frequency attached by ClinVar (database versions not stated): gnomAD 0.00706 and 0.00688; ESP Exome Variant Server 0.00746; gnomAD exomes 0.00897 and 0.00587; 1000 Genomes Project 0.00319; 1000 Genomes Project 30x 0.00344; ExAC 0.00598; TOPMed 0.00674.
gnomAD v4.1: 13,961 of 1,608,510 alleles (0.87%); highest among the groups gnomAD compares: Non-Finnish European, 1.1%; 83 homozygotes.

Submissions (5):

CeGaT Center for Human Genetics Tuebingen
Classification: Benign. Last evaluated: 2026-08-01. Review status: criteria provided, single submitter. Criteria: CeGaT Center For Human Genetics Tuebingen Variant Classification Criteria Version 2. Collection method: clinical testing. Allele origin: germline. Affected: yes. Observed: 19 variant alleles.
Comment: PRKD1: BP4, BS1, BS2

Blueprint Genetics
Classification: Likely benign. Last evaluated: 2024-11-26. Review status: criteria provided, single submitter. Criteria: ACMG Guidelines, 2015. Collection method: clinical testing. Allele origin: germline.

Labcorp Genetics (formerly Invitae), Labcorp
Classification: Benign. Last evaluated: 2019-12-31. Review status: criteria provided, single submitter. Criteria: Invitae Variant Classification Sherloc (09022015). Collection method: clinical testing. Allele origin: germline.

Breakthrough Genomics
Classification: Benign. Review status: criteria provided, single submitter. Criteria: ACMG Guidelines, 2015. Collection method: not provided. Allele origin: germline. Inheritance: Autosomal dominant inheritance. Affected: yes.

PreventionGenetics, part of Exact Sciences
Classification: Benign for PRKD1-related condition. Last evaluated: 2019-09-13. Review status: no assertion criteria provided. Collection method: clinical testing. Allele origin: germline. Not counted in ClinVar's aggregate classification.
Comment: This variant is classified as benign based on ACMG/AMP sequence variant interpretation guidelines (Richards et al. 2015 PMID: 25741868, with internal and published modifications).

NM_002742.3(PRKD1):c.1315-8T>C

Gene: PRKD1 (protein kinase D1; minus strand). Cytogenetic location: 14q12.
Variant type: single nucleotide variant.
Coding change: c.1315-8T>C on transcript NM_002742.3 (MANE Select); 8 bases into the intron before coding-DNA position 1315, T replaced by C.
Molecular consequence: intron variant.
Genome position (GRCh38, 1-based): chr14:29,632,954, A>G on the plus strand (T>C on the coding strand, the complement: PRKD1 is on the minus strand). VCF-style: chr14-29632954-A-G. GRCh37 (hg19) VCF-style: chr14-30102160-A-G.
Other names: c.1339-8T>C (NM_001330069.2, NM_001330069.1); c.1051-8T>C (NM_001348390.1).
Identifiers: ClinVar variation 781270 (VCV000781270.31), dbSNP rs74503963, ClinGen allele CA7141190.
Genomic context (GRCh38, chr14:29,632,954, plus strand): 5'-TTCTGAAAGAGGGTAATACATTTGCTATCCAATCTCCAATAGTGCCGTTTCCGCTGAAAC[A>G]GAAGTTAGATCCAAGATCTTTTTAAAAAACTTTAAAAATATCCCCAATTGAAAACATAAA-3'